The following is an entry in ClinVar:

ClinVar aggregate classification (germline): Benign. Review status: criteria provided, multiple submitters, no conflicts (2 of 4 stars). 7 submissions from 7 submitters: Benign (7). Last evaluated 2026-02-03.

Conditions:
Autosomal dominant nonsyndromic hearing loss 44. Identifiers: Orphanet 90635, MedGen C1843895, MONDO:0011832, OMIM 607453.

Allele frequency attached by ClinVar (database versions not stated): ESP Exome Variant Server 0.57224; gnomAD 0.57976 and 0.58210; TOPMed 0.59935; 1000 Genomes Project 0.64457; 1000 Genomes Project 30x 0.65162.
gnomAD v4.1: 784,397 of 1,601,236 alleles (49%); highest among the groups gnomAD compares: African/African-American, 81%; 198,106 homozygotes.

Submissions (7):

Labcorp Genetics (formerly Invitae), Labcorp
Classification: Benign. Last evaluated: 2026-02-03. Review status: criteria provided, single submitter. Criteria: Invitae Variant Classification Sherloc (09022015). Collection method: clinical testing. Allele origin: germline.

Genome-Nilou Lab
Classification: Benign for Autosomal dominant nonsyndromic hearing loss 44. Last evaluated: 2021-07-14. Review status: criteria provided, single submitter. Criteria: ACMG Guidelines, 2015. Collection method: clinical testing. Allele origin: germline. Affected: no.

Mayo Clinic Laboratories, Mayo Clinic
Classification: Benign. Last evaluated: 2019-06-24. Review status: criteria provided, single submitter. Criteria: ACMG Guidelines, 2015. Collection method: clinical testing. Allele origin: germline. Observed: 116 variant alleles.

GeneDx
Classification: Benign. Last evaluated: 2017-05-09. Review status: criteria provided, single submitter. Criteria: GeneDx Variant Classification (06012015). Collection method: clinical testing. Allele origin: germline. Affected: yes.
Comment: This variant is considered likely benign or benign based on one or more of the following criteria: it is a conservative change, it occurs at a poorly conserved position in the protein, it is predicted to be benign by multiple in silico algorithms, and/or has population frequency not consistent with disease.

Laboratory for Molecular Medicine, Mass General Brigham Personalized Medicine
Classification: Benign. Last evaluated: 2012-05-07. Review status: criteria provided, single submitter. Criteria: LMM Criteria. Collection method: clinical testing. Allele origin: germline. Observed: 1,105 variant alleles.
Comment: 1242+10G>A in Intron 09 of CCDC50: This variant is not expected to have clinical significance because it is not located within the conserved splice consensus se quence and has been identified in 46.1% (3234/7016) of European American chromos omes from a broad population by the NHLBI Exome Sequencing Project (s.; dbSNP rs211043).

Breakthrough Genomics
Classification: Benign. Review status: criteria provided, single submitter. Criteria: ACMG Guidelines, 2015. Collection method: not provided. Allele origin: germline. Inheritance: Autosomal dominant inheritance. Affected: yes.

PreventionGenetics, part of Exact Sciences
Classification: Benign. Review status: criteria provided, single submitter. Criteria: ACMG Guidelines, 2015. Collection method: clinical testing. Allele origin: germline.

NM_178335.3(CCDC50):c.1242+10G>A

Gene: CCDC50 (coiled-coil domain containing 50; plus strand). Cytogenetic location: 3q28.
Variant type: single nucleotide variant.
Coding change: c.1242+10G>A on transcript NM_178335.3 (MANE Select); 10 bases into the intron after coding-DNA position 1242, G replaced by A.
Molecular consequence: intron variant.
Genome position (GRCh38, 1-based): chr3:191,380,942, G>A. VCF-style: chr3-191380942-G-A. GRCh37 (hg19) VCF-style: chr3-191098731-G-A.
Other names: p.?; c.714+10G>A (NM_174908.4).
Identifiers: ClinVar variation 48150 (VCV000048150.17), dbSNP rs211043, ClinGen allele CA142707.